The following is an entry in ClinVar:

ClinVar aggregate classification (germline): Conflicting classifications of pathogenicity. Review status: criteria provided, conflicting classifications (1 of 4 stars). 2 submissions from 2 submitters: Uncertain significance (1); Likely benign (1). Last evaluated 2024-09-04.

Conditions:
Hereditary cancer-predisposing syndrome. Also called: Neoplastic Syndromes, Hereditary; Tumor predisposition; Hereditary Cancer Syndrome; Hereditary neoplastic syndrome. Identifiers: Orphanet 140162, MedGen C0027672, MeSH D009386, MONDO:0015356.

Submissions (2):

Ambry Genetics
Classification: Uncertain significance for Hereditary cancer-predisposing syndrome. Last evaluated: 2024-09-04. Review status: criteria provided, single submitter. Criteria: Ambry Variant Classification Scheme 2023. Collection method: clinical testing. Allele origin: germline.
Comment: The p.P1224L variant (also known as c.3671C>T), located in coding exon 9 of the BRCA1 gene, results from a C to T substitution at nucleotide position 3671. The proline at codon 1224 is replaced by leucine, an amino acid with similar properties. This amino acid position is conserved. In addition, the in silico prediction for this alteration is inconclusive. Since supporting evidence is limited at this time, the clinical significance of this alteration remains unclear.

University of Washington Department of Laboratory Medicine, University of Washington
Classification: Likely benign for Hereditary cancer-predisposing syndrome. Last evaluated: 2023-03-23. Review status: criteria provided, single submitter. Criteria: Dines et al. (Genet Med. 2020). Collection method: curation. Allele origin: germline.
Comment: Missense variant in a coldspot region where missense variants are very unlikely to be pathogenic (PMID:31911673).

BRCA1 coldspot (exon 11 using historical exon numbering). Reclassification based on statistical prior probability

NM_007294.4(BRCA1):c.3671C>T (p.Pro1224Leu)

Genes: BRCA1 (BRCA1 DNA repair associated; minus strand), LOC126862571 (BRD4-independent group 4 enhancer GRCh37_chr17:41243136-41244335; plus strand). Cytogenetic location: 17q21.31.
Variant type: single nucleotide variant.
Coding change: c.3671C>T on transcript NM_007294.4 (MANE Select); coding-DNA position 3671, C replaced by T.
Protein change: p.Pro1224Leu; replaces proline 1224 with leucine.
Molecular consequence: missense variant. On other transcripts: intron variant (135).
Genome position (GRCh38, 1-based): chr17:43,091,860, G>A on the plus strand (C>T on the coding strand, the complement: BRCA1 is on the minus strand). VCF-style: chr17-43091860-G-A. GRCh37 (hg19) VCF-style: chr17-41243877-G-A.
Other names: c.3527C>T, p.Pro1176Leu (NM_001407843.1, NM_001407845.1, NM_001407846.1 and 20 more transcripts); c.3671C>T, p.Pro1224Leu (NM_001407858.1, NM_001407859.1, NM_001407854.1 and 30 more transcripts); c.3458C>T, p.Pro1153Leu (NM_001407853.1, NM_001407571.1, NM_001407894.1 and 9 more transcripts); c.3530C>T, p.Pro1177Leu (NM_001407851.1, NM_001407852.1, NM_001407692.1 and 29 more transcripts); c.3467C>T, p.Pro1156Leu (NM_001407874.1, NM_001407875.1); c.3461C>T, p.Pro1154Leu (NM_001407879.1, NM_001407881.1, NM_001407882.1 and 13 more transcripts); c.3470C>T, p.Pro1157Leu (NM_001407862.1); c.3548C>T, p.Pro1183Leu (NM_001407863.1, NM_001407648.1, NM_001407664.1 and 19 more transcripts); and 41 more; short protein forms P1154L, P1177L, P1112L, P1135L, P1157L, P1176L, P1182L, P356L.
Identifiers: ClinVar variation 1733795 (VCV001733795.5), dbSNP rs2154295615, ClinGen allele CA10594625.
Genomic context (GRCh38, chr17:43,091,860, plus strand): 5'-TGCCTAGTAGACTGAGAAGGTATATTGTTTACTTTACCAAATAACAAGTGTTGGAAGCAG[G>A]GAAGCTCTTCATCCTCACTAGATAAGTTCTCTTCTGAGGACTCTAATTTCTTGGCCCCTC-3'
Protein context (NP_009225.1, residues 1214-1234): ENLSSEDEEL[Pro1224Leu]CFQHLLFGKV